The following is an entry in ClinVar:

NM_001265592.2(PLEKHG5):c.-37T>G

Gene: PLEKHG5 (pleckstrin homology and RhoGEF domain containing G5; minus strand). Cytogenetic location: 1p36.31.
Variant type: single nucleotide variant.
Coding change: c.-37T>G on transcript NM_001265592.2; 37 bases upstream of the start codon, T replaced by G.
Molecular consequence: 5 prime UTR variant.
Genome position (GRCh38, 1-based): chr1:6,496,553, A>C on the plus strand (T>G on the coding strand, the complement: PLEKHG5 is on the minus strand). VCF-style: chr1-6496553-A-C. GRCh37 (hg19) VCF-style: chr1-6556613-A-C.
Other names: c.-37T>G (NM_001042663.3); c.-148T>G (NM_198681.4).
Identifiers: ClinVar variation 5002124 (VCV005002124.1).

ClinVar aggregate classification (germline): Likely benign (1 of 4 stars; one submission).

Conditions:
PLEKHG5-related disorder. Also called: PLEKHG5-related condition.

Submission:

PreventionGenetics, part of Exact Sciences
Classification: Likely benign for PLEKHG5-related condition. Last evaluated: 2024-11-27. Review status: criteria provided, single submitter. Criteria: ACMG Guidelines, 2015. Collection method: clinical testing. Allele origin: germline.
Comment: This variant is classified as likely benign based on ACMG/AMP sequence variant interpretation guidelines (Richards et al. 2015 PMID: 25741868, with internal and published modifications).